The following is an entry in ClinVar:

ClinVar aggregate classification (germline): Uncertain significance (1 of 4 stars; one submission).

Submission:

GeneDx
Classification: Uncertain significance. Last evaluated: 2024-06-11. Review status: criteria provided, single submitter. Criteria: GeneDx Variant Classification Process June 2021. Collection method: clinical testing. Allele origin: germline.
Comment: Not observed at significant frequency in large population cohorts (gnomAD); In silico analysis supports that this missense variant has a deleterious effect on protein structure/function; Has not been previously published as pathogenic or benign to our knowledge

NM_005321.3(H1-4):c.85G>T (p.Gly29Cys)

Gene: H1-4 (H1.4 linker histone, cluster member; plus strand). Cytogenetic location: 6p22.2.
Variant type: single nucleotide variant.
Coding change: c.85G>T on transcript NM_005321.3 (MANE Select); coding-DNA position 85, G replaced by T.
Protein change: p.Gly29Cys; replaces glycine 29 with cysteine.
Molecular consequence: missense variant.
Genome position (GRCh38, 1-based): chr6:26,156,475, G>T. VCF-style: chr6-26156475-G-T. GRCh37 (hg19) VCF-style: chr6-26156703-G-T.
Other names: short protein forms G29C.
Identifiers: ClinVar variation 2580814 (VCV002580814.2), dbSNP rs369107797, ClinGen allele CA363200557.